The following is an entry in ClinVar:

NM_020745.4(AARS2):c.2611dup (p.Thr871fs)

Gene: AARS2 (alanyl-tRNA synthetase 2, mitochondrial; minus strand). Cytogenetic location: 6p21.1.
Variant type: Duplication.
Coding change: c.2611dup on transcript NM_020745.4 (MANE Select); coding-DNA position 2611, one base duplicated (A; older notation c.2611dupA).
Protein change: p.Thr871fs; shifts the reading frame from threonine 871.
Molecular consequence: frameshift variant.
Genome position (GRCh38, 1-based): chr6:44,301,452, T duplicated on the plus strand (A on the coding strand, the reverse complement: AARS2 is on the minus strand); the first of 4 consecutive T bases (chr6:44,301,452-44,301,455); duplicating any one gives the same sequence. VCF-style (leftmost placement, unchanged base first): chr6-44301451-G-GT. GRCh37 (hg19) VCF-style: chr6-44269188-G-GT.
Other names: short protein forms T871fs.
Identifiers: ClinVar variation 2576588 (VCV002576588.24), dbSNP rs749666514, ClinGen allele CA3833902.

ClinVar aggregate classification (germline): Pathogenic/Likely pathogenic. Review status: criteria provided, multiple submitters, no conflicts (2 of 4 stars). 4 submissions from 4 submitters: Pathogenic (3); Likely pathogenic (1). Last evaluated 2026-02-17.

Conditions:
Fetal anomalies with a likely genetic cause.
AARS2-related disorder. Also called: AARS2-related condition; AARS2-related disorders. Identifiers: MedGen CN381518, MONDO:1060240.
Leukoencephalopathy, progressive, with ovarian failure (LKENP). Identifiers: Orphanet 99853, MedGen C4014588, MONDO:0014387, OMIM 615889.

Submissions (4):

Genetics Laboratory, Great Ormond Street Hospital NHS Foundation Trust, North Thames Genomic Laboratory Hub
Classification: Pathogenic for Fetal anomalies with a likely genetic cause. Last evaluated: 2026-02-17. Review status: criteria provided, single submitter. Criteria: ACGS Best Practice Guidelines for Variant Classification in Rare Disease 2024 v1.2. Collection method: clinical testing. Allele origin: germline. Affected: yes.
Comment: PM2_moderate, PVS1_very-strong

Blueprint Genetics
Classification: Likely pathogenic for AARS2-related disorders. Last evaluated: 2024-05-10. Review status: criteria provided, single submitter. Criteria: ACMG Guidelines, 2015. Collection method: clinical testing. Allele origin: germline. Affected: yes. Observed: 3 variant alleles.

CeGaT Center for Human Genetics Tuebingen
Classification: Pathogenic. Last evaluated: 2024-03-01. Review status: criteria provided, single submitter. Criteria: CeGaT Center For Human Genetics Tuebingen Variant Classification Criteria Version 2. Collection method: clinical testing. Allele origin: germline. Affected: yes. Observed: 1 variant allele.
Comment: AARS2: PVS1, PM3:Strong, PM2

Institute of Human Genetics, University of Leipzig Medical Center
Classification: Pathogenic for Leukoencephalopathy, progressive, with ovarian failure. Last evaluated: 2023-05-17. Review status: criteria provided, single submitter. Criteria: ACMG Guidelines, 2015. Collection method: clinical testing. Allele origin: maternal. Affected: yes.
Comment: Criteria applied: PVS1, PM3, PM2_SUP